The following is an entry in ClinVar:

NM_020738.4(KIDINS220):c.5242G>T (p.Asp1748Tyr)

Gene: KIDINS220 (kinase D interacting substrate 220; minus strand). Cytogenetic location: 2p25.1.
Variant type: single nucleotide variant.
Coding change: c.5242G>T on transcript NM_020738.4 (MANE Select); coding-DNA position 5242, G replaced by T.
Protein change: p.Asp1748Tyr; replaces aspartic acid 1748 with tyrosine.
Molecular consequence: missense variant. On other transcripts: intron variant (6).
Genome position (GRCh38, 1-based): chr2:8,730,794, C>A on the plus strand (G>T on the coding strand, the complement: KIDINS220 is on the minus strand). VCF-style: chr2-8730794-C-A. GRCh37 (hg19) VCF-style: chr2-8870924-C-A.
Other names: c.5245G>T, p.Asp1749Tyr (NM_001348729.2); c.5188G>T, p.Asp1730Tyr (NM_001348731.2); c.5185G>T, p.Asp1729Tyr (NM_001348732.2); c.5074G>T, p.Asp1692Tyr (NM_001348734.2); c.5071G>T, p.Asp1691Tyr (NM_001348735.2); c.4945G>T, p.Asp1649Tyr (NM_001348736.2); c.3882+2650G>T (NM_001348741.2, NM_001348742.2, NM_001348743.2); c.3996+2650G>T (NM_001348738.2); and 1 more; short protein forms D1649Y, D1691Y, D1692Y, D1729Y, D1730Y, D1748Y, D1749Y.
Identifiers: ClinVar variation 3353823 (VCV003353823.1).

ClinVar aggregate classification (germline): Uncertain significance (0 of 4 stars; one submission).

Conditions:
KIDINS220-related disorder. Also called: KIDINS220-related condition.

gnomAD v4.1: 42 of 1,614,240 alleles (0.0026%); highest among the groups gnomAD compares: Middle Eastern, 0.12%; no homozygotes.

Submission:

PreventionGenetics, part of Exact Sciences
Classification: Uncertain significance for KIDINS220-related condition. Last evaluated: 2024-06-10. Review status: no assertion criteria provided. Collection method: clinical testing. Allele origin: germline.
Comment: The KIDINS220 c.5242G>T variant is predicted to result in the amino acid substitution p.Asp1748Tyr. This variant has been reported as a variant of uncertain significance in an individual with obesity (Table S1, Kleinendorst et al. 2018. PubMed ID: 29970488). This variant is reported in 0.0029% of alleles in individuals of Latino descent in gnomAD. At this time, the clinical significance of this variant is uncertain due to the absence of conclusive functional and genetic evidence.